The following is an entry in ClinVar:

NM_000179.3(MSH6):c.959C>T (p.Pro320Leu)

Gene: MSH6 (mutS homolog 6; plus strand). Cytogenetic location: 2p16.3.
Variant type: single nucleotide variant.
Coding change: c.959C>T on transcript NM_000179.3 (MANE Select); coding-DNA position 959, C replaced by T.
Protein change: p.Pro320Leu; replaces proline 320 with leucine.
Molecular consequence: missense variant.
Genome position (GRCh38, 1-based): chr2:47,798,942, C>T. VCF-style: chr2-47798942-C-T. GRCh37 (hg19) VCF-style: chr2-48026081-C-T.
Other names: c.569C>T, p.Pro190Leu (NM_001281492.2); c.53C>T, p.Pro18Leu (NM_001281493.2, NM_001281494.2); short protein forms P320L, P190L, P18L.
Identifiers: ClinVar variation 479932 (VCV000479932.19), dbSNP rs779022657, ClinGen allele CA073651.

ClinVar aggregate classification (germline): Conflicting classifications of pathogenicity. Review status: criteria provided, conflicting classifications (1 of 4 stars). 3 submissions from 3 submitters: Uncertain significance (2); Likely benign (1). Last evaluated 2025-08-11.

Conditions:
Hereditary cancer-predisposing syndrome. Also called: Hereditary Cancer Syndrome; Neoplastic Syndromes, Hereditary; Tumor predisposition; Hereditary neoplastic syndrome. Identifiers: Orphanet 140162, MedGen C0027672, MeSH D009386, MONDO:0015356.
Hereditary nonpolyposis colorectal neoplasms. Identifiers: MedGen C0009405, MeSH D003123.

Allele frequency attached by ClinVar (database versions not stated): gnomAD exomes below 0.00001; TOPMed below 0.00001; ExAC 0.00001.
gnomAD v4.1: 2 of 1,614,130 alleles (0.00012%); highest among the groups gnomAD compares: Non-Finnish European, 0.00017%; no homozygotes.

Submissions (3):

Labcorp Genetics (formerly Invitae), Labcorp
Classification: Likely benign for Hereditary nonpolyposis colorectal neoplasms. Last evaluated: 2025-08-11. Review status: criteria provided, single submitter. Criteria: Invitae Variant Classification Sherloc (09022015). Collection method: clinical testing. Allele origin: germline.

Ambry Genetics
Classification: Uncertain significance for Hereditary cancer-predisposing syndrome. Last evaluated: 2024-06-26. Review status: criteria provided, single submitter. Criteria: Ambry Variant Classification Scheme 2023. Collection method: clinical testing. Allele origin: germline.
Comment: The p.P320L variant (also known as c.959C>T), located in coding exon 4 of the MSH6 gene, results from a C to T substitution at nucleotide position 959. The proline at codon 320 is replaced by leucine, an amino acid with similar properties. This amino acid position is not well conserved in available vertebrate species. In addition, this alteration is predicted to be tolerated by in silico analysis. Based on the available evidence, the clinical significance of this variant remains unclear.

Color Diagnostics, LLC DBA Color Health
Classification: Uncertain significance for Hereditary cancer-predisposing syndrome. Last evaluated: 2023-12-05. Review status: criteria provided, single submitter. Criteria: ACMG Guidelines, 2015. Collection method: clinical testing. Allele origin: germline.
Comment: This missense variant replaces proline with leucine at codon 320 of the MSH6 protein. Computational prediction suggests that this variant may not impact protein structure and function (internally defined REVEL score threshold <= 0.5, PMID: 27666373). To our knowledge, functional studies have not been reported for this variant. This variant has not been reported in individuals affected with MSH6-related disorders in the literature. This variant has been identified in 1/251340 chromosomes in the general population by the Genome Aggregation Database (gnomAD). The available evidence is insufficient to determine the role of this variant in disease conclusively. Therefore, this variant is classified as a Variant of Uncertain Significance.